The following is an entry in ClinVar:

ClinVar aggregate classification (germline): Uncertain significance (1 of 4 stars; one submission).

gnomAD v4.1: 1 of 1,614,100 alleles (0.000062%); highest among the groups gnomAD compares: Non-Finnish European, 0.000085%; no homozygotes.

Submission:

Labcorp Genetics (formerly Invitae), Labcorp
Classification: Uncertain significance. Last evaluated: 2024-07-23. Review status: criteria provided, single submitter. Criteria: Invitae Variant Classification Sherloc (09022015). Collection method: clinical testing. Allele origin: germline.
Comment: This sequence change replaces threonine, which is neutral and polar, with isoleucine, which is neutral and non-polar, at codon 1437 of the FAT4 protein (p.Thr1437Ile). This variant is not present in population databases (gnomAD no frequency). This variant has not been reported in the literature in individuals affected with FAT4-related conditions. Advanced modeling of protein sequence and biophysical properties (such as structural, functional, and spatial information, amino acid conservation, physicochemical variation, residue mobility, and thermodynamic stability) has been performed at Invitae for this missense variant, however the output from this modeling did not meet the statistical confidence thresholds required to predict the impact of this variant on FAT4 protein function. In summary, the available evidence is currently insufficient to determine the role of this variant in disease. Therefore, it has been classified as a Variant of Uncertain Significance.

NM_001291303.3(FAT4):c.4310C>T (p.Thr1437Ile)

Gene: FAT4 (FAT atypical cadherin 4; plus strand). Cytogenetic location: 4q28.1.
Variant type: single nucleotide variant.
Coding change: c.4310C>T on transcript NM_001291303.3 (MANE Select); coding-DNA position 4310, C replaced by T.
Protein change: p.Thr1437Ile; replaces threonine 1437 with isoleucine.
Molecular consequence: missense variant.
Genome position (GRCh38, 1-based): chr4:125,320,721, C>T. VCF-style: chr4-125320721-C-T. GRCh37 (hg19) VCF-style: chr4-126241876-C-T.
Other names: c.4310C>T, p.Thr1437Ile (NM_001291285.3, NM_024582.6); short protein forms T1437I.
Identifiers: ClinVar variation 3678232 (VCV003678232.2).
Genomic context (GRCh38, chr4:125,320,721, plus strand): 5'-CTCCTAGCTTTCCTCCTGGAGATATTTTCAAGTCTATTGTTGAGAACATTCCCATCGGTA[C>T]ATCTGTCATTTCAGTGACTGCACATGACCCTGATGCAGACATTAATGGTCAACTATCCTA-3'
Protein context (NP_001278232.1, residues 1427-1447): KSIVENIPIG[Thr1437Ile]SVISVTAHDP